The following is an entry in ClinVar:

ClinVar aggregate classification (germline): Conflicting classifications of pathogenicity. Review status: criteria provided, conflicting classifications (1 of 4 stars). 11 submissions from 11 submitters: Uncertain significance (5); Likely benign (5). 1 of the submissions does not count toward it. Last evaluated 2025-12-20.

Conditions:
ATM-related disorder. Also called: ATM-related disorders; ATM-related condition.
Ataxia-telangiectasia syndrome (AT). Also called: Ataxia-telangiectasia, complementation group D; AT, COMPLEMENTATION GROUP C; Cerebello-oculocutaneous telangiectasia; Immunodeficiency with ataxia telangiectasia; ATAXIA-TELANGIECTASIA, COMPLEMENTATION GROUP A; ATAXIA-TELANGIECTASIA, FRESNO VARIANT. Identifiers: Orphanet 100, MedGen C0004135, MONDO:0008840, OMIM 208900.
Malignant tumor of breast. Also called: Malignant breast neoplasm; Cancer breast. Identifiers: MedGen C0006142, MONDO:0007254. Disease mechanism: loss of function.
Breast and/or ovarian cancer. Identifiers: MedGen CN221562.
Hereditary cancer-predisposing syndrome. Also called: Tumor predisposition; Neoplastic Syndromes, Hereditary; Hereditary neoplastic syndrome; Hereditary Cancer Syndrome. Identifiers: Orphanet 140162, MedGen C0027672, MeSH D009386, MONDO:0015356.
Familial cancer of breast. Also called: BREAST CANCER, FAMILIAL; Hereditary breast cancer; hereditary breast carcinoma. Identifiers: Orphanet 227535, MedGen C0346153, MONDO:0016419, OMIM 114480. Disease mechanism: loss of function.

Allele frequency attached by ClinVar (database versions not stated): 1000 Genomes Project 0.00020; gnomAD exomes 0.00004 and 0.00007; ExAC 0.00012; 1000 Genomes Project 30x 0.00016; gnomAD 0.00001; TOPMed 0.00001.
gnomAD v4.1: 25 of 1,614,024 alleles (0.0015%); highest among the groups gnomAD compares: East Asian, 0.056%; no homozygotes.

Submissions (11):

Labcorp Genetics (formerly Invitae), Labcorp
Classification: Likely benign for Ataxia-telangiectasia syndrome. Last evaluated: 2025-12-20. Review status: criteria provided, single submitter. Criteria: Invitae Variant Classification Sherloc (09022015). Collection method: clinical testing. Allele origin: germline.

PreventionGenetics, part of Exact Sciences
Classification: Likely benign for ATM-related condition. Last evaluated: 2025-11-06. Review status: criteria provided, single submitter. Criteria: ACMG Guidelines, 2015. Collection method: clinical testing. Allele origin: germline.
Comment: This variant is classified as likely benign based on ACMG/AMP sequence variant interpretation guidelines (Richards et al. 2015 PMID: 25741868, with internal and published modifications).

Quest Diagnostics Nichols Institute San Juan Capistrano
Classification: Uncertain significance. Last evaluated: 2024-02-06. Review status: criteria provided, single submitter. Criteria: Quest Diagnostics criteria. Collection method: clinical testing. Allele origin: unknown.

GeneDx
Classification: Uncertain significance. Last evaluated: 2023-08-16. Review status: criteria provided, single submitter. Criteria: GeneDx Variant Classification Process June 2021. Collection method: clinical testing. Allele origin: germline. Affected: yes.
Comment: In silico analysis supports that this missense variant has a deleterious effect on protein structure/function; Observed in both cases and controls in a breast cancer case-control study (Momozawa et al., 2018); This variant is associated with the following publications: (PMID: 34156717, 27121310, 31638252, 33471991, 30287823, 35681111)

CHEO Genetics Diagnostic Laboratory, Children's Hospital of Eastern Ontario
Classification: Uncertain significance for Breast and/or ovarian cancer. Last evaluated: 2022-10-19. Review status: criteria provided, single submitter. Criteria: ACMG Guidelines, 2015. Collection method: clinical testing. Allele origin: germline.

Sema4
Classification: Uncertain significance for Hereditary cancer-predisposing syndrome. Last evaluated: 2022-02-02. Review status: criteria provided, single submitter. Criteria: Sema4 Curation Guidelines. Collection method: curation. Allele origin: germline.
Comment: To the best of our knowledge, the ATM c.5063T>C (p.I1688T) variant has been reported in a large breast cancer case control study in 9/60466 cases and 8/53461 controls (PMID 33471991). This variant has also been reported in one individual with AML (PMID: 31638252). It was observed in 17/18392 chromosomes of the East Asian (EAS) subpopulation, with no homozygotes, in the large and broad cohorts of the Genome Aggregation Database (PMID: 32461654). This variant has been reported in ClinVar (Variation ID 141932). Functional studies have not been performed, and in silico predictions of the variant's effect on protein function are inconclusive. The evidence is insufficient to meet ACMG/AMP criteria for classifying the variant as benign or pathogenic. Thus, the clinical significance of this variant is currently uncertain.

Ambry Genetics
Classification: Likely benign for Hereditary cancer-predisposing syndrome. Last evaluated: 2021-05-28. Review status: criteria provided, single submitter. Criteria: Ambry Variant Classification Scheme 2023. Collection method: clinical testing. Allele origin: germline.

Color Diagnostics, LLC DBA Color Health
Classification: Likely benign for Hereditary cancer-predisposing syndrome. Last evaluated: 2021-03-23. Review status: criteria provided, single submitter. Criteria: ACMG Guidelines, 2015. Collection method: clinical testing. Allele origin: germline.

Department of Pathology and Laboratory Medicine, Sinai Health System
Classification: Uncertain significance for Familial cancer of breast. Last evaluated: 2020-11-05. Review status: criteria provided, single submitter. Criteria: ACMG Guidelines, 2015. Collection method: clinical testing. Allele origin: germline. Affected: yes.

Women's Health and Genetics/Laboratory Corporation of America, LabCorp
Classification: Likely benign. Last evaluated: 2019-02-14. Review status: criteria provided, single submitter. Criteria: LabCorp Variant Classification Summary - May 2015. Collection method: clinical testing. Allele origin: germline.
Comment: Variant summary: ATM c.5063T>C (p.Ile1688Thr) results in a non-conservative amino acid change in the encoded protein sequence. Three of five in-silico tools predict a benign effect of the variant on protein function. The variant allele was found at a frequency of 0.00013 in 298714 control chromosomes (gnomAD and publication data), and was exclusively observed within the East Asian subpopulation at a frequency of 0.00092 in the gnomAD database. This frequency is slightly lower than expected for a pathogenic variant in ATM causing Breast Cancer (0.00092 vs 0.001), however the variant still might represent a benign polymorphism found predominantly in individuals of East Asian origin. Indeed, a large case-control association study, involving unselected breast cancer (BrC) patients and controls of Japanese ancestry, identified the variant in 3/7051 female BrC cases, but also found the variant in 12/11242 healthy female- and 9/12490 healthy male control individuals, based on their findings the authors of this study concluded that the variant is benign (Momozawa 2018). To our knowledge, no experimental evidence demonstrating an impact on protein function has been reported. Four clinical diagnostic laboratories have submitted clinical-significance assessments for this variant to ClinVar after 2014 without evidence for independent evaluation, and all laboratories classified the variant as uncertain significance; however all of these classifications were performed before the publication of the Momozawa study. Based on the evidence outlined above, the variant was classified as likely benign.

Natera, Inc.
Classification: Uncertain significance for Ataxia-telangiectasia. Last evaluated: 2020-09-16. Review status: no assertion criteria provided. Collection method: clinical testing. Allele origin: germline. Not counted in ClinVar's aggregate classification.

Literature cited by the submitters: PubMed 33471991 (cited by Quest Diagnostics Nichols Institute San Juan Capistrano and Sema4); PubMed 30287823 (cited by 4 submitters); PubMed 31638252 (cited by Sema4); PubMed 27121310 (cited by Women's Health and Genetics/Laboratory Corporation of America, LabCorp).

NM_000051.4(ATM):c.5063T>C (p.Ile1688Thr)

Gene: ATM (ATM serine/threonine kinase; plus strand). Cytogenetic location: 11q22.3.
Variant type: single nucleotide variant.
Coding change: c.5063T>C on transcript NM_000051.4 (MANE Select); coding-DNA position 5063, T replaced by C.
Protein change: p.Ile1688Thr; replaces isoleucine 1688 with threonine.
Molecular consequence: missense variant.
Genome position (GRCh38, 1-based): chr11:108,299,771, T>C. VCF-style: chr11-108299771-T-C. GRCh37 (hg19) VCF-style: chr11-108170498-T-C.
Other names: c.5063T>C, p.Ile1688Thr (NM_001351834.2); short protein forms I1688T.
Identifiers: ClinVar variation 141932 (VCV000141932.32), dbSNP rs199836342, ClinGen allele CA166824.